The following is an entry in ClinVar:

ClinVar aggregate classification (germline): Uncertain significance (1 of 4 stars; one submission).

Conditions:
Hereditary cancer-predisposing syndrome. Also called: Neoplastic Syndromes, Hereditary; Tumor predisposition; Hereditary neoplastic syndrome; Hereditary Cancer Syndrome. Identifiers: Orphanet 140162, MedGen C0027672, MeSH D009386, MONDO:0015356.

Submission:

Labcorp Genetics (formerly Invitae), Labcorp
Classification: Uncertain significance for Hereditary cancer-predisposing syndrome. Last evaluated: 2023-05-25. Review status: criteria provided, single submitter. Criteria: Invitae Variant Classification Sherloc (09022015). Collection method: clinical testing. Allele origin: germline.
Comment: This variant, c.233_235dup, results in the insertion of 1 amino acid(s) of the RAD50 protein (p.Val78_Arg79insMet), but otherwise preserves the integrity of the reading frame. In summary, the available evidence is currently insufficient to determine the role of this variant in disease. Therefore, it has been classified as a Variant of Uncertain Significance. This variant has not been reported in the literature in individuals affected with RAD50-related conditions. This variant is not present in population databases (gnomAD no frequency).

NM_005732.4(RAD50):c.233_235dup (p.Val78_Arg79insMet)

Gene: RAD50 (RAD50 double strand break repair protein; plus strand). Cytogenetic location: 5q31.1.
Variant type: Duplication.
Coding change: c.233_235dup on transcript NM_005732.4 (MANE Select); coding-DNA positions 233 to 235, 3 bases duplicated (TGA; older notation c.233_235dupTGA).
Protein change: p.Val78_Arg79insMet.
Molecular consequence: inframe insertion.
Genome position (GRCh38, 1-based): chr5:132,575,796-132,575,798, TGA duplicated. VCF-style (leftmost placement, unchanged base first): chr5-132575795-G-GTGA. GRCh37 (hg19) VCF-style: chr5-131911487-G-GTGA.
Identifiers: ClinVar variation 2719580 (VCV002719580.3), dbSNP rs2479607934, ClinGen allele CA2697546187.
Genomic context (GRCh38, chr5:132,575,795, plus strand): 5'-TTATTAAAGTAACATAAGTTTTTTCTGTGTTTTCCTTCAAAGGTTGCTCAAGAAACAGAT[G>GTGA]TGAGAGCCCAGATTCGTCTGCAATTTCGTGATGTCAATGGAGAACTTATAGCTGTGCAAA-3'